The following is an entry in ClinVar:

NM_001007553.3(CSDE1):c.502A>G (p.Thr168Ala)

Gene: CSDE1 (cold shock domain containing E1; minus strand). Cytogenetic location: 1p13.2.
Variant type: single nucleotide variant.
Coding change: c.502A>G on transcript NM_001007553.3 (MANE Select); coding-DNA position 502, A replaced by G.
Protein change: p.Thr168Ala; replaces threonine 168 with alanine.
Molecular consequence: missense variant.
Genome position (GRCh38, 1-based): chr1:114,734,522, T>C on the plus strand (A>G on the coding strand, the complement: CSDE1 is on the minus strand). VCF-style: chr1-114734522-T-C. GRCh37 (hg19) VCF-style: chr1-115277143-T-C.
Other names: c.640A>G, p.Thr214Ala (NM_001242891.2); c.502A>G, p.Thr168Ala (NM_001242892.2); c.409A>G, p.Thr137Ala (NM_001242893.2, NM_007158.6); c.547A>G, p.Thr183Ala (NM_001130523.3); short protein forms T137A, T168A, T183A, T214A.
Identifiers: ClinVar variation 3781055 (VCV003781055.1).

ClinVar aggregate classification (germline): Uncertain significance (1 of 4 stars; one submission).

Submission:

GeneDx
Classification: Uncertain significance. Last evaluated: 2024-10-15. Review status: criteria provided, single submitter. Criteria: GeneDx Variant Classification Process June 2021. Collection method: clinical testing. Allele origin: germline. Affected: yes.
Comment: Not observed at significant frequency in large population cohorts (gnomAD); In silico analysis indicates that this missense variant does not alter protein structure/function; Has not been previously published as pathogenic or benign to our knowledge